The following is an entry in ClinVar:

ClinVar aggregate classification (germline): Uncertain significance (1 of 4 stars; one submission).

Submission:

Labcorp Genetics (formerly Invitae), Labcorp
Classification: Uncertain significance. Last evaluated: 2024-03-09. Review status: criteria provided, single submitter. Criteria: Invitae Variant Classification Sherloc (09022015). Collection method: clinical testing. Allele origin: germline.
Comment: This variant, c.372_373insTCCGCC, results in the insertion of 2 amino acid(s) of the MNX1 protein (p.Ala124_Ala125insSerAla), but otherwise preserves the integrity of the reading frame. The frequency data for this variant in the population databases is considered unreliable, as metrics indicate insufficient coverage at this position in the gnomAD database. This variant has not been reported in the literature in individuals affected with MNX1-related conditions. In summary, the available evidence is currently insufficient to determine the role of this variant in disease. Therefore, it has been classified as a Variant of Uncertain Significance.

NM_005515.4(MNX1):c.372_373insTCCGCC (p.Ala124_Ala125insSerAla)

Gene: MNX1 (motor neuron and pancreas homeobox 1; minus strand). Cytogenetic location: 7q36.3.
Variant type: Insertion.
Coding change: c.372_373insTCCGCC on transcript NM_005515.4 (MANE Select); coding-DNA positions 372 to 373, TCCGCC inserted.
Protein change: p.Ala124_Ala125insSerAla.
Genome position: GRCh38 VCF-style: chr7-157009978-C-CGGCGGA. GRCh37 (hg19) VCF-style: chr7-156802672-C-CGGCGGA.
Identifiers: ClinVar variation 3702346 (VCV003702346.2).